The following is an entry in ClinVar:

NM_001365999.1(SZT2):c.640C>G (p.Gln214Glu)

Gene: SZT2 (SZT2 subunit of KICSTOR complex; plus strand). Cytogenetic location: 1p34.2.
Variant type: single nucleotide variant.
Coding change: c.640C>G on transcript NM_001365999.1 (MANE Select); coding-DNA position 640, C replaced by G.
Protein change: p.Gln214Glu; replaces glutamine 214 with glutamic acid.
Molecular consequence: missense variant.
Genome position (GRCh38, 1-based): chr1:43,415,969, C>G. VCF-style: chr1-43415969-C-G. GRCh37 (hg19) VCF-style: chr1-43881640-C-G.
Other names: c.640C>G, p.Gln214Glu (NM_015284.4); short protein forms Q214E.
Identifiers: ClinVar variation 1029532 (VCV001029532.7), dbSNP rs766552506, ClinGen allele CA340001763.
Genomic context (GRCh38, chr1:43,415,969, plus strand): 5'-GGGGCAGCAATGCCATCTGCCCCATTCTGTCTTTTCTGTAACTTGGGGCAGGCAGAAGAC[C>G]AGTCCCCAGACTCAGGGGACCTACTGGGCCGGAAGGTAGGCGTCTCCATGGTGACAGCTG-3'
Protein context (NP_001352928.1, residues 204-224): QYDPQSQAED[Gln214Glu]SPDSGDLLGR

ClinVar aggregate classification (germline): Uncertain significance. Review status: criteria provided, multiple submitters, no conflicts (2 of 4 stars). 3 submissions from 3 submitters: Uncertain significance (3). Last evaluated 2024-02-17.

Conditions:
Developmental and epileptic encephalopathy, 18 (DEE18). Also called: Early infantile epileptic encephalopathy 18. Identifiers: Orphanet 369894, MedGen C3809624, MONDO:0014201, OMIM 615476.

Allele frequency attached by ClinVar (database versions not stated): gnomAD exomes below 0.00001.
gnomAD v4.1: 1 of 1,597,196 alleles (0.000063%); highest among the groups gnomAD compares: Non-Finnish European, 0.000085%; no homozygotes.

Submissions (3):

Labcorp Genetics (formerly Invitae), Labcorp
Classification: Uncertain significance. Last evaluated: 2024-02-17. Review status: criteria provided, single submitter. Criteria: Invitae Variant Classification Sherloc (09022015). Collection method: clinical testing. Allele origin: germline.
Comment: This sequence change replaces glutamine, which is neutral and polar, with glutamic acid, which is acidic and polar, at codon 214 of the SZT2 protein (p.Gln214Glu). This variant is not present in population databases (gnomAD no frequency). This variant has not been reported in the literature in individuals affected with SZT2-related conditions. ClinVar contains an entry for this variant (Variation ID: 1029532). Advanced modeling of protein sequence and biophysical properties (such as structural, functional, and spatial information, amino acid conservation, physicochemical variation, residue mobility, and thermodynamic stability) performed at Invitae indicates that this missense variant is not expected to disrupt SZT2 protein function with a negative predictive value of 80%. In summary, the available evidence is currently insufficient to determine the role of this variant in disease. Therefore, it has been classified as a Variant of Uncertain Significance.

Genome-Nilou Lab
Classification: Uncertain significance for Developmental and epileptic encephalopathy, 18. Last evaluated: 2023-04-11. Review status: criteria provided, single submitter. Criteria: ACMG Guidelines, 2015. Collection method: clinical testing. Allele origin: germline. Affected: no.

Baylor Genetics
Classification: Uncertain significance for Developmental and epileptic encephalopathy, 18. Last evaluated: 2022-11-02. Review status: criteria provided, single submitter. Criteria: ACMG Guidelines, 2015. Collection method: clinical testing. Allele origin: unknown.